The following is an entry in ClinVar:

NM_000352.6(ABCC8):c.2690A>T (p.Asp897Val)

Gene: ABCC8 (ATP binding cassette subfamily C member 8; minus strand). Cytogenetic location: 11p15.1.
Variant type: single nucleotide variant.
Coding change: c.2690A>T on transcript NM_000352.6 (MANE Select); coding-DNA position 2690, A replaced by T.
Protein change: p.Asp897Val; replaces aspartic acid 897 with valine.
Molecular consequence: missense variant. On other transcripts: non-coding transcript variant (1).
Genome position (GRCh38, 1-based): chr11:17,410,520, T>A on the plus strand (A>T on the coding strand, the complement: ABCC8 is on the minus strand). VCF-style: chr11-17410520-T-A. GRCh37 (hg19) VCF-style: chr11-17432067-T-A.
Other names: c.2693A>T, p.Asp898Val (NM_001287174.3); c.2756A>T, p.Asp919Val (NM_001351295.2); c.2690A>T, p.Asp897Val (NM_001351296.2); c.2687A>T, p.Asp896Val (NM_001351297.2); short protein forms D896V, D897V, D898V, D919V.
Identifiers: ClinVar variation 5007826 (VCV005007826.2).
Genomic context (GRCh38, chr11:17,410,520, plus strand): 5'-CCTGACAGCCTCCCCAGCCCTGCCCCCTATAGCCTGACCCCCTTGTTCCCCCTCACCCAG[T>A]CTGCATGGGGCAGGTACTGTAGCTTGTGGGTCACTAAGACCACTGTCCTCTTGTCGTCCC-3'
Protein context (NP_000343.2, residues 887-907): THKLQYLPHA[Asp897Val]WIIAMKDGTI

ClinVar aggregate classification (germline): Likely pathogenic (1 of 4 stars; one submission).

Conditions:
Hyperinsulinemic hypoglycemia, familial, 1 (HHF1). Also called: HYPERINSULINISM, FAMILIAL, WITH PANCREATIC NESIDIOBLASTOSIS; HYPOGLYCEMIA, HYPERINSULINEMIC, OF INFANCY; NESIDIOBLASTOSIS OF PANCREAS; Persistent hyperinsulinemic hypoglycemia of infancy; Persistent Hyperinsulinemia Hypoglycemia of Infancy. Identifiers: Orphanet 276575, Orphanet 276598, MedGen C2931832, MONDO:0009734, OMIM 256450.

gnomAD v4.1: 4 of 1,614,156 alleles (0.00025%); highest among the groups gnomAD compares: East Asian, 0.0045%; no homozygotes.

Submission:

Juno Genomics, Hangzhou Juno Genomics, Inc
Classification: Likely pathogenic for Hyperinsulinemic hypoglycemia, familial, 1. Review status: criteria provided, single submitter. Criteria: ACMG Guidelines, 2015. Collection method: clinical testing. Allele origin: germline.
Comment: Absent from controls (or at extremely low frequency if recessive) in Genome Aggregation Database.;Multiple lines of computational evidence support a deleterious effect on the gene or gene product.;For recessive disorders, detected in trans with a pathogenic variant.